The following is an entry in ClinVar:

ClinVar aggregate classification (germline): Uncertain significance (1 of 4 stars; one submission).

Conditions:
Neurodevelopmental disorder with spasticity, seizures, and brain abnormalities (NEDSSBA). Identifiers: MedGen C5774197, MONDO:0859275, OMIM 620001.

Submission:

Juno Genomics, Hangzhou Juno Genomics, Inc
Classification: Uncertain significance for Neurodevelopmental disorder with spasticity, seizures, and brain abnormalities. Review status: criteria provided, single submitter. Criteria: ACMG Guidelines, 2015. Collection method: clinical testing. Allele origin: germline.
Comment: Null variant in a gene where loss of function (LOF) is a known mechanism of disease.;Absent from controls (or at extremely low frequency if recessive) in Genome Aggregation Database.

NM_032141.4(NSRP1):c.257dup (p.Glu87fs)

Gene: NSRP1 (nuclear speckle splicing regulatory protein 1; plus strand). Cytogenetic location: 17q11.2.
Variant type: Duplication.
Coding change: c.257dup on transcript NM_032141.4 (MANE Select); coding-DNA position 257, one base duplicated (A; older notation c.257dupA).
Protein change: p.Glu87fs; shifts the reading frame from glutamic acid 87.
Molecular consequence: frameshift variant.
Genome position (GRCh38, 1-based): chr17:30,178,156, A duplicated; the last of 8 consecutive A bases (chr17:30,178,149-30,178,156); duplicating any one gives the same sequence. VCF-style (leftmost placement, unchanged base first): chr17-30178148-G-GA. GRCh37 (hg19) VCF-style: chr17-28505166-G-GA.
Other names: c.95dup, p.Glu33fs (NM_001261467.2); short protein forms E33fs, E87fs.
Identifiers: ClinVar variation 5005726 (VCV005005726.2).